The following is an entry in ClinVar:

ClinVar aggregate classification (germline): Uncertain significance (1 of 4 stars; one submission).

Allele frequency attached by ClinVar (database versions not stated): ExAC 0.00001.
gnomAD v4.1: 20 of 1,613,366 alleles (0.0012%); highest among the groups gnomAD compares: Non-Finnish European, 0.0016%; no homozygotes.

Submission:

Labcorp Genetics (formerly Invitae), Labcorp
Classification: Uncertain significance. Last evaluated: 2022-06-10. Review status: criteria provided, single submitter. Criteria: Invitae Variant Classification Sherloc (09022015). Collection method: clinical testing. Allele origin: germline.
Comment: This sequence change replaces proline, which is neutral and non-polar, with threonine, which is neutral and polar, at codon 101 of the SLC26A3 protein (p.Pro101Thr). This variant is present in population databases (rs773720855, gnomAD 0.0009%). This variant has not been reported in the literature in individuals affected with SLC26A3-related conditions. Algorithms developed to predict the effect of missense changes on protein structure and function (SIFT, PolyPhen-2, Align-GVGD) all suggest that this variant is likely to be tolerated. In summary, the available evidence is currently insufficient to determine the role of this variant in disease. Therefore, it has been classified as a Variant of Uncertain Significance.

NM_000111.3(SLC26A3):c.301C>A (p.Pro101Thr)

Gene: SLC26A3 (solute carrier family 26 member 3; minus strand). Cytogenetic location: 7q22.3.
Variant type: single nucleotide variant.
Coding change: c.301C>A on transcript NM_000111.3 (MANE Select); coding-DNA position 301, C replaced by A.
Protein change: p.Pro101Thr; replaces proline 101 with threonine.
Molecular consequence: missense variant.
Genome position (GRCh38, 1-based): chr7:107,791,911, G>T on the plus strand (C>A on the coding strand, the complement: SLC26A3 is on the minus strand). VCF-style: chr7-107791911-G-T. GRCh37 (hg19) VCF-style: chr7-107432356-G-T.
Other names: short protein forms P101T.
Identifiers: ClinVar variation 1918702 (VCV001918702.2), dbSNP rs773720855, ClinGen allele CA4434173.
Genomic context (GRCh38, chr7:107,791,911, plus strand): 5'-TGCCGAAGAAAAGGTAGATTATGGCTGGGAAAAAGGATGCATACAACCCATAGACTGGGG[G>T]AATGTCGACCAGCAGAGCAAATGCTAAACCTGTAAACACACAAGCAGCAGAGCCCTTACT-3'
Protein context (NP_000102.1, residues 91-111): GLAFALLVDI[Pro101Thr]PVYGLYASFF